The following is an entry in ClinVar:

NM_000038.6(APC):c.531+5G>C

Gene: APC (APC regulator of Wnt signaling pathway; plus strand). Cytogenetic location: 5q22.2.
Variant type: single nucleotide variant.
Coding change: c.531+5G>C on transcript NM_000038.6 (MANE Select); 5 bases into the intron after coding-DNA position 531, G replaced by C.
Molecular consequence: intron variant.
Genome position (GRCh38, 1-based): chr5:112,775,742, G>C. VCF-style: chr5-112775742-G-C. GRCh37 (hg19) VCF-style: chr5-112111439-G-C.
Other names: c.531+5G>C (NM_001354895.2, NM_001127510.3, NM_001354896.2 and 2 more transcripts); c.561+5G>C (NM_001354897.2, NM_001354902.2, NM_001127511.3); c.456+5G>C (NM_001354898.2, NM_001354904.2); c.-505+5G>C (NM_001354906.2); c.354+5G>C (NM_001354900.2, NM_001354901.2, NM_001354905.2).
Identifiers: ClinVar variation 279681 (VCV000279681.19), dbSNP rs587779798, ClinGen allele CA10602909.

ClinVar aggregate classification (germline): Likely pathogenic. Review status: reviewed by expert panel (3 of 4 stars). 5 submissions from 5 submitters: Likely pathogenic (1). 4 of the submissions do not count toward it. Last evaluated 2025-05-15.

Conditions:
Hereditary cancer-predisposing syndrome. Also called: Hereditary Cancer Syndrome; Tumor predisposition; Neoplastic Syndromes, Hereditary; Hereditary neoplastic syndrome. Identifiers: Orphanet 140162, MedGen C0027672, MeSH D009386, MONDO:0015356.
Familial adenomatous polyposis 1 (FAP1). Also called: FAMILIAL ADENOMATOUS POLYPOSIS 1, ATTENUATED; POLYPOSIS, ADENOMATOUS INTESTINAL. Identifiers: MedGen C2713442, MONDO:0021056, OMIM 175100. Disease mechanism: loss of function.

Submissions (5):

ClinGen InSiGHT Hereditary Colorectal Cancer/Polyposis Variant Curation Expert Panel
Classification: Likely pathogenic for Familial adenomatous polyposis 1. Last evaluated: 2025-05-15. Review status: reviewed by expert panel. Criteria: ClinGen InSiGHT HCCP VCEP ACMG Specifications APC V1. Collection method: curation. Allele origin: germline. Inheritance: Autosomal dominant inheritance.
Comment: The NM_000038.6(APC):c.531+5G>C variant in APC is an intronic variant which is located at the 5th nucleotide in intron 5. This variant is absent from gnomAD v2.1.1 (PM2_Supporting). This variant has been reported in 2 families meeting phenotypic criteria, resulting in a total phenotype score of 1 point (PMID: 19196998, 20223039, 12010888; the first two references refer to the same German family) (PS4_Supporting). The results from ≥ 2 in silico splicing predictors (SpliceAI and MaxEntScan) indicate that this variant may affect splicing by disrupting the donor splice site of intron 5 of APC (PP3). RNA studies have demonstrated that this variant causes exon 5 deletion (c.531+5G>C; r.423_531del; p.Arg144Serfs*8; PMID: 19196998) (PS3). In summary, this variant meets the criteria to be classified as Likely Pathogenic for FAP based on the ACMG/AMP criteria applied, as specified by the ClinGen InSiGHT Hereditary Colorectal Cancer/Polyposis Variant Curation Expert Panel: PS3, PS4_Supporting, PM2_Supporting and PP3 (VCEP specifications version 2.1.0; date of approval: 11/24/2023).

Ambry Genetics
Classification: Pathogenic for Hereditary cancer-predisposing syndrome. Last evaluated: 2025-06-06. Review status: criteria provided, single submitter. Criteria: Ambry Variant Classification Scheme 2023. Collection method: clinical testing. Allele origin: germline. Not counted in ClinVar's aggregate classification.
Comment: The c.531+5G>C intronic pathogenic mutation results from a G to C substitution 5 nucleotides after coding exon 4 in the APC gene. This alteration has been previously observed in families with both classic familial adenomatous polyposis (FAP) and attenuated FAP (Moisio AL et al. Gut 2002 Jun;50(6):845-50; Friedl W et al. Hered. Cancer Clin. Pract. 2005 Sep;3(3):95-114; Kaufmann A et al. J. Mol. Diagn. 2009 Mar;11(2):131-9). This nucleotide position is highly conserved in available vertebrate species. In silico splice site analysis predicts that this alteration will weaken the native splice donor site. RNA studies have demonstrated that this alteration results in abnormal splicing in the set of samples tested (Kaufmann A et al. J. Mol. Diagn. 2009 Mar;11(2):131-9; Ambry internal data). Based on the supporting evidence, this variant is interpreted as a disease-causing mutation.

Myriad Genetics, Inc.
Classification: Pathogenic for Familial adenomatous polyposis 1. Last evaluated: 2023-04-27. Review status: criteria provided, single submitter. Criteria: Myriad Autosomal Dominant, Autosomal Recessive and X-Linked Classification Criteria (2023). Collection method: clinical testing. Allele origin: unknown. Not counted in ClinVar's aggregate classification.
Comment: This variant is considered pathogenic. mRNA analysis has demonstrated abnormal mRNA splicing occurs [PMID: 12010888].

Labcorp Genetics (formerly Invitae), Labcorp
Classification: Pathogenic for Familial adenomatous polyposis 1. Last evaluated: 2021-07-01. Review status: criteria provided, single submitter. Criteria: Invitae Variant Classification Sherloc (09022015). Collection method: clinical testing. Allele origin: germline. Not counted in ClinVar's aggregate classification.
Comment: For these reasons, this variant has been classified as Pathogenic. Nucleotide substitutions within the consensus splice site are a relatively common cause of aberrant splicing (PMID: 17576681, 9536098). Experimental studies in patient-derived leukocytes using RT-PCR of mRNA followed by cDNA sequencing showed that this variant results in the out-of-frame skipping of exon 5 (PMID: 19196998, 12010888). This variant has been observed in several individuals and families affected with familial adenomatous polyposis (PMID: 12010888, 19196998). Intron 5 is also known as intron 4 in the literature due to alternative exon numbering. ClinVar contains an entry for this variant (Variation ID: 279681). This variant is not present in population databases (ExAC no frequency). This sequence change falls in intron 5 of the APC gene. It does not directly change the encoded amino acid sequence of the APC protein, but it affects a nucleotide within the consensus splice site of the intron.

GeneDx
Classification: Pathogenic. Last evaluated: 2016-05-13. Review status: criteria provided, single submitter. Criteria: GeneDx Variant Classification (06012015). Collection method: clinical testing. Allele origin: germline. Affected: yes. Not counted in ClinVar's aggregate classification.
Comment: This variant is denoted APC c.531+5 G>C or IVS5+5 G>C and consists of a G>C nucleotide substitution at the +5 position of intron 5 of the APC gene. This variant has been observed in at least two individuals presenting with a phenotype suggestive of Attenuated Familial Adenomatous Polyposis (Moisio 2002, Kaufmann 2009). Importantly, Kaufmann et al. (2009) found via mRNA analysis that APC c.531+5 G>C results in the heterozygous deletion of exon 5 (published as exon 4 due to the use of alternate nomenclature). APC c.531+5 G>C was not observed in approximately 6,500 individuals of European and African American ancestry in the NHLBI Exome Sequencing Project, indicating it is not a common benign variant in these populations and the guanine (G) nucleotide that is altered is well conserved across species. Based on the current evidence, we consider APC c.531+5 G>C to be pathogenic.

Literature cited by the submitters: PubMed 19196998 (cited by 3 submitters); PubMed 12010888 (cited by 3 submitters); PubMed 17576681 (cited by Labcorp Genetics (formerly Invitae), Labcorp); PubMed 9536098 (cited by Labcorp Genetics (formerly Invitae), Labcorp).